The following is an entry in ClinVar:

NM_000719.7(CACNA1C):c.2637G>A (p.Ala879=)

Gene: CACNA1C (calcium voltage-gated channel subunit alpha1 C; plus strand). Cytogenetic location: 12p13.33.
Variant type: single nucleotide variant.
Coding change: c.2637G>A on transcript NM_000719.7 (MANE Select); coding-DNA position 2637, G replaced by A.
Protein change: p.Ala879=; no amino-acid change (alanine 879 retained).
Molecular consequence: synonymous variant.
Genome position (GRCh38, 1-based): chr12:2,593,319, G>A. VCF-style: chr12-2593319-G-A. GRCh37 (hg19) VCF-style: chr12-2702485-G-A.
Other names: p.A879A:GCG>GCA; c.2637G>A, p.Ala879= (NM_001129827.2, NM_001129829.2, NM_001129830.3 and 18 more transcripts); c.2628G>A, p.Ala876= (NM_001129844.2).
Identifiers: ClinVar variation 136618 (VCV000136618.16), dbSNP rs199629800, ClinGen allele CA289823.

ClinVar aggregate classification (germline): Benign/Likely benign. Review status: criteria provided, multiple submitters, no conflicts (2 of 4 stars). 6 submissions from 6 submitters: Benign (2); Likely benign (4). Last evaluated 2025-12-13.

Conditions:
Brugada syndrome 3 (BRGDA3). Identifiers: Orphanet 130, MedGen C2678478, MONDO:0012742, OMIM 611875.
Long QT syndrome 8. Identifiers: MedGen CN260585, MONDO:0032756, OMIM 618447.
Timothy syndrome (TS). Also called: LONG QT SYNDROME WITH SYNDACTYLY. Identifiers: Orphanet 65283, MedGen C1832916, MeSH C536962, MONDO:0010979, OMIM 601005.
Cardiovascular phenotype. Identifiers: MedGen CN230736.
Long QT syndrome (LQTS). Identifiers: MedGen C0023976, MeSH D008133, MONDO:0002442. Disease mechanism: loss of function. Inheritance: Various modes of inheritance.

Allele frequency attached by ClinVar (database versions not stated): gnomAD 0.00004; gnomAD exomes 0.00006; TOPMed 0.00006; ESP Exome Variant Server 0.00008; ExAC 0.00004.
gnomAD v4.1: 93 of 1,613,714 alleles (0.0058%); highest among the groups gnomAD compares: Middle Eastern, 0.016%; no homozygotes.

Submissions (6):

Labcorp Genetics (formerly Invitae), Labcorp
Classification: Likely benign for Long QT syndrome. Last evaluated: 2025-12-13. Review status: criteria provided, single submitter. Criteria: Invitae Variant Classification Sherloc (09022015). Collection method: clinical testing. Allele origin: germline.

Women's Health and Genetics/Laboratory Corporation of America, LabCorp
Classification: Benign. Last evaluated: 2024-09-14. Review status: criteria provided, single submitter. Criteria: LabCorp Variant Classification Summary - May 2015. Collection method: clinical testing. Allele origin: germline.

Blueprint Genetics
Classification: Likely benign. Last evaluated: 2024-04-23. Review status: criteria provided, single submitter. Criteria: ACMG Guidelines, 2015. Collection method: clinical testing. Allele origin: germline.

Fulgent Genetics
Classification: Likely benign for Timothy syndrome; Brugada syndrome 3; Long QT syndrome 8. Last evaluated: 2021-08-10. Review status: criteria provided, single submitter. Criteria: ACMG Guidelines, 2015. Collection method: clinical testing. Allele origin: unknown.

Ambry Genetics
Classification: Likely benign for Cardiovascular phenotype. Last evaluated: 2020-05-26. Review status: criteria provided, single submitter. Criteria: Ambry Variant Classification Scheme 2023. Collection method: clinical testing. Allele origin: germline.

GeneDx
Classification: Benign. Last evaluated: 2014-06-05. Review status: criteria provided, single submitter. Criteria: GeneDx Variant Classification (06012015). Collection method: clinical testing. Allele origin: germline. Affected: yes.
Comment: This variant is considered likely benign or benign based on one or more of the following criteria: it is a conservative change, it occurs at a poorly conserved position in the protein, it is predicted to be benign by multiple in silico algorithms, and/or has population frequency not consistent with disease.

Literature cited by the submitters: PubMed 19225208 (cited by Ambry Genetics).